The following is an entry in ClinVar:

NM_005560.6(LAMA5):c.7114G>C (p.Asp2372His)

Gene: LAMA5 (laminin subunit alpha 5; minus strand). Cytogenetic location: 20q13.33.
Variant type: single nucleotide variant.
Coding change: c.7114G>C on transcript NM_005560.6 (MANE Select); coding-DNA position 7114, G replaced by C.
Protein change: p.Asp2372His; replaces aspartic acid 2372 with histidine.
Molecular consequence: missense variant.
Genome position (GRCh38, 1-based): chr20:62,318,579, C>G on the plus strand (G>C on the coding strand, the complement: LAMA5 is on the minus strand). VCF-style: chr20-62318579-C-G. GRCh37 (hg19) VCF-style: chr20-60893635-C-G.
Other names: short protein forms D2372H.
Identifiers: ClinVar variation 4766193 (VCV004766193.1).

ClinVar aggregate classification (germline): Uncertain significance (1 of 4 stars; one submission).

gnomAD v4.1: 3 of 1,610,636 alleles (0.00019%); highest among the groups gnomAD compares: Non-Finnish European, 0.00025%; no homozygotes.

Submission:

Labcorp Genetics (formerly Invitae), Labcorp
Classification: Uncertain significance. Last evaluated: 2025-11-28. Review status: criteria provided, single submitter. Criteria: Invitae Variant Classification Sherloc (09022015). Collection method: clinical testing. Allele origin: germline.
Comment: This sequence change replaces aspartic acid, which is acidic and polar, with histidine, which is basic and polar, at codon 2372 of the LAMA5 protein (p.Asp2372His). This variant is present in population databases (rs111653839, gnomAD 0.01%). This variant has not been reported in the literature in individuals affected with LAMA5-related conditions. Invitae Evidence Modeling of protein sequence and biophysical properties (such as structural, functional, and spatial information, amino acid conservation, physicochemical variation, residue mobility, and thermodynamic stability) has been performed for this missense variant. However, the output from this modeling did not meet the statistical confidence thresholds required to predict the impact of this variant on LAMA5 protein function. In summary, the available evidence is currently insufficient to determine the role of this variant in disease. Therefore, it has been classified as a Variant of Uncertain Significance.